The following is an entry in ClinVar:

NM_007327.4(GRIN1):c.296A>G (p.Asn99Ser)

Gene: GRIN1 (glutamate ionotropic receptor NMDA type subunit 1; plus strand). Cytogenetic location: 9q34.3.
Variant type: single nucleotide variant.
Coding change: c.296A>G on transcript NM_007327.4 (MANE Select); coding-DNA position 296, A replaced by G.
Protein change: p.Asn99Ser; replaces asparagine 99 with serine.
Molecular consequence: missense variant.
Genome position (GRCh38, 1-based): chr9:137,142,050, A>G. VCF-style: chr9-137142050-A-G. GRCh37 (hg19) VCF-style: chr9-140036502-A-G.
Other names: c.296A>G, p.Asn99Ser (NM_000832.7, NM_001185090.2, NM_001185091.2 and 3 more transcripts); short protein forms N99S.
Identifiers: ClinVar variation 4885106 (VCV004885106.2).

ClinVar aggregate classification (germline): Uncertain significance (1 of 4 stars; one submission).

gnomAD v4.1: 2 of 1,613,750 alleles (0.00012%); highest among the groups gnomAD compares: Non-Finnish European, 0.00017%; no homozygotes.

Submission:

Dasa
Classification: Uncertain significance. Last evaluated: 2024-12-06. Review status: criteria provided, single submitter. Criteria: DASA Assertion Criteria. Collection method: clinical testing. Allele origin: germline.
Comment: NM_007327.4(GRIN1):c.296A>G (p.Asn99Ser) is a missense variant that results in the substitution of asparagine with serine. This variant is rare in population databases. Computational prediction algorithms are consistent with a benign effect. The currently available literature and clinical evidence are not sufficient to establish a definitive association between this variant and the reported condition. Therefore, this variant is classified as a variant of uncertain significance.